The following is an entry in ClinVar:

NM_001384474.1(LOXHD1):c.5097C>T (p.Asp1699=)

Gene: LOXHD1 (lipoxygenase homology PLAT domains 1; minus strand). Cytogenetic location: 18q21.1.
Variant type: single nucleotide variant.
Coding change: c.5097C>T on transcript NM_001384474.1 (MANE Select); coding-DNA position 5097, C replaced by T.
Protein change: p.Asp1699=; no amino-acid change (aspartic acid 1699 retained).
Molecular consequence: synonymous variant. On other transcripts: intron variant (1).
Genome position (GRCh38, 1-based): chr18:46,521,271, G>A on the plus strand (C>T on the coding strand, the complement: LOXHD1 is on the minus strand). VCF-style: chr18-46521271-G-A. GRCh37 (hg19) VCF-style: chr18-44101234-G-A.
Other names: c.1764C>T, p.Asp588= (NM_001145472.3); c.1476C>T, p.Asp492= (NM_001308013.2); c.5085+830C>T (NM_144612.7).
Identifiers: ClinVar variation 227507 (VCV000227507.5), dbSNP rs375851293, ClinGen allele CA8952249.

ClinVar aggregate classification (germline): Likely benign. Review status: criteria provided, multiple submitters, no conflicts (2 of 4 stars). 2 submissions from 2 submitters: Likely benign (2). Last evaluated 2024-04-03.

Allele frequency attached by ClinVar (database versions not stated): gnomAD exomes 0.00008; gnomAD 0.00013; ExAC 0.00015; TOPMed 0.00034; ESP Exome Variant Server 0.00044.
gnomAD v4.1: 98 of 1,551,534 alleles (0.0063%); highest among the groups gnomAD compares: African/African-American, 0.094%; no homozygotes.

Submissions (2):

Women's Health and Genetics/Laboratory Corporation of America, LabCorp
Classification: Likely benign. Last evaluated: 2024-04-03. Review status: criteria provided, single submitter. Criteria: LabCorp Variant Classification Summary - May 2015. Collection method: clinical testing. Allele origin: germline.

Laboratory for Molecular Medicine, Mass General Brigham Personalized Medicine
Classification: Likely benign. Last evaluated: 2015-06-11. Review status: criteria provided, single submitter. Criteria: LMM Criteria. Collection method: clinical testing. Allele origin: germline. Observed: 2 variant alleles.
Comment: p.Asp588Asp in exon 32A of LOXHD1: This variant is not expected to have clinical significance because it does not alter an amino acid residue and is not located within the splice consensus sequence. It has been identified in 0.15% (3/2058) of African chromosomes by the Exome Aggregation Consortium (ExAC; dbSNP rs375851293).